The following is an entry in ClinVar:

NM_032043.3(BRIP1):c.2380-1G>A

Gene: BRIP1 (BRCA1 interacting DNA helicase 1; minus strand). Cytogenetic location: 17q23.2.
Variant type: single nucleotide variant.
Coding change: c.2380-1G>A on transcript NM_032043.3 (MANE Select); the canonical splice acceptor site of the intron before coding-DNA position 2380, G replaced by A.
Molecular consequence: splice acceptor variant.
Genome position (GRCh38, 1-based): chr17:61,716,064, C>T on the plus strand (G>A on the coding strand, the complement: BRIP1 is on the minus strand). VCF-style: chr17-61716064-C-T. GRCh37 (hg19) VCF-style: chr17-59793425-C-T.
Identifiers: ClinVar variation 628360 (VCV000628360.15), dbSNP rs1567756032, ClinGen allele CA400479868.

ClinVar aggregate classification (germline): Likely pathogenic. Review status: criteria provided, multiple submitters, no conflicts (2 of 4 stars). 4 submissions from 4 submitters: Likely pathogenic (4). Last evaluated 2026-06-26.

Conditions:
Hereditary cancer-predisposing syndrome. Also called: Neoplastic Syndromes, Hereditary; Hereditary Cancer Syndrome; Hereditary neoplastic syndrome; Tumor predisposition. Identifiers: Orphanet 140162, MedGen C0027672, MeSH D009386, MONDO:0015356.
Familial cancer of breast. Also called: hereditary breast carcinoma; BREAST CANCER, FAMILIAL; Hereditary breast cancer. Identifiers: Orphanet 227535, MedGen C0346153, MONDO:0016419, OMIM 114480. Disease mechanism: loss of function.
Fanconi anemia complementation group J. Also called: BRIP1-Related Fanconi Anemia. Identifiers: Orphanet 84, MedGen C1836860, MONDO:0012187, OMIM 609054.

Submissions (4):

Ambry Genetics
Classification: Likely pathogenic for Hereditary cancer-predisposing syndrome. Last evaluated: 2026-06-26. Review status: criteria provided, single submitter. Criteria: Ambry Variant Classification Scheme 2023. Collection method: clinical testing. Allele origin: germline.
Comment: The c.2380-1G>A intronic variant results from a G to A substitution one nucleotide upstream from coding exon 16 of the BRIP1 gene. This variant is considered to be rare based on population cohorts in the Genome Aggregation Database (gnomAD). This nucleotide position is highly conserved in available vertebrate species. In silico splice site analysis predicts that this alteration will weaken the native splice acceptor site; however, direct evidence is insufficient at this time (Ambry internal data). Alterations that disrupt the canonical splice site are expected to cause aberrant splicing, resulting in an abnormal protein or a transcript that is subject to nonsense-mediated mRNA decay. As such, this alteration is classified as likely pathogenic.

Myriad Genetics, Inc.
Classification: Likely pathogenic for Familial cancer of breast. Last evaluated: 2023-06-06. Review status: criteria provided, single submitter. Criteria: Myriad Autosomal Dominant, Autosomal Recessive and X-Linked Classification Criteria (2023). Collection method: clinical testing. Allele origin: unknown.
Comment: This variant is considered likely pathogenic. This variant occurs within a consensus splice junction and is predicted to result in abnormal mRNA splicing of either an out-of-frame exon or an in-frame exon necessary for protein stability and/or normal function.

Color Diagnostics, LLC DBA Color Health
Classification: Likely pathogenic for Hereditary cancer-predisposing syndrome. Last evaluated: 2018-11-18. Review status: criteria provided, single submitter. Criteria: ACMG Guidelines, 2015. Collection method: clinical testing. Allele origin: germline.

Labcorp Genetics (formerly Invitae), Labcorp
Classification: Likely pathogenic for Familial cancer of breast; Fanconi anemia complementation group J. Last evaluated: 2018-10-11. Review status: criteria provided, single submitter. Criteria: Invitae Variant Classification Sherloc (09022015). Collection method: clinical testing. Allele origin: germline.
Comment: This variant has not been reported in the literature in individuals with BRIP1-related disease. This sequence change affects an acceptor splice site in intron 16 of the BRIP1 gene. It is expected to disrupt RNA splicing and likely results in an absent or disrupted protein product. This variant is not present in population databases (ExAC no frequency). Donor and acceptor splice site variants typically lead to a loss of protein function (PMID: 16199547), and loss-of-function variants in BRIP1 are known to be pathogenic (PMID: 16116423, 17033622, 21964575). In summary, the currently available evidence indicates that the variant is pathogenic, but additional data are needed to prove that conclusively. Therefore, this variant has been classified as Likely Pathogenic.

Literature cited by the submitters: PubMed 16199547 (cited by Labcorp Genetics (formerly Invitae), Labcorp); PubMed 16116423 (cited by Labcorp Genetics (formerly Invitae), Labcorp); PubMed 17033622 (cited by Labcorp Genetics (formerly Invitae), Labcorp); PubMed 21964575 (cited by Labcorp Genetics (formerly Invitae), Labcorp).